The following is an entry in ClinVar:

NM_006922.4(SCN3A):c.1217T>C (p.Leu406Pro)

Gene: SCN3A (sodium voltage-gated channel alpha subunit 3; minus strand). Cytogenetic location: 2q24.3.
Variant type: single nucleotide variant.
Coding change: c.1217T>C on transcript NM_006922.4 (MANE Select); coding-DNA position 1217, T replaced by C.
Protein change: p.Leu406Pro; replaces leucine 406 with proline.
Molecular consequence: missense variant.
Genome position (GRCh38, 1-based): chr2:165,154,615, A>G on the plus strand (T>C on the coding strand, the complement: SCN3A is on the minus strand). VCF-style: chr2-165154615-A-G. GRCh37 (hg19) VCF-style: chr2-166011125-A-G.
Other names: c.1217T>C, p.Leu406Pro (NM_001081676.2, NM_001081677.2); short protein forms L406P.
Identifiers: ClinVar variation 3603074 (VCV003603074.1).

ClinVar aggregate classification (germline): Uncertain significance (1 of 4 stars; one submission).

Submission:

GeneDx
Classification: Uncertain significance. Last evaluated: 2024-08-05. Review status: criteria provided, single submitter. Criteria: GeneDx Variant Classification Process June 2021. Collection method: clinical testing. Allele origin: germline. Affected: yes.
Comment: Not observed at significant frequency in large population cohorts (gnomAD); In silico analysis supports that this missense variant has a deleterious effect on protein structure/function; Has not been previously published as pathogenic or benign to our knowledge